The following is an entry in ClinVar:

NM_001374736.1(DST):c.12023G>A (p.Gly4008Glu)

Gene: DST (dystonin; minus strand). Cytogenetic location: 6p12.1.
Variant type: single nucleotide variant.
Coding change: c.12023G>A on transcript NM_001374736.1 (MANE Select); coding-DNA position 12023, G replaced by A.
Protein change: p.Gly4008Glu; replaces glycine 4008 with glutamic acid.
Molecular consequence: missense variant.
Genome position (GRCh38, 1-based): chr6:56,597,912, C>T on the plus strand (G>A on the coding strand, the complement: DST is on the minus strand). VCF-style: chr6-56597912-C-T. GRCh37 (hg19) VCF-style: chr6-56462710-C-T.
Other names: c.5666G>A, p.Gly1889Glu (NM_001144769.5); c.5252G>A, p.Gly1751Glu (NM_001144770.2); c.12023G>A, p.Gly4008Glu (NM_001374722.1); c.11390G>A, p.Gly3797Glu (NM_001374729.1); c.5132G>A, p.Gly1711Glu (NM_001374730.1, NM_001386100.1, NM_183380.4); c.12050G>A, p.Gly4017Glu (NM_001374734.1); c.4154G>A, p.Gly1385Glu (NM_015548.5); short protein forms G1385E, G1711E, G1889E, G3797E, G4008E, G4017E, G1751E.
Identifiers: ClinVar variation 1748936 (VCV001748936.2), dbSNP rs2098406762, ClinGen allele CA364528655.

ClinVar aggregate classification (germline): Uncertain significance (1 of 4 stars; one submission).

Conditions:
Inborn genetic diseases. Identifiers: MedGen C0950123, MeSH D030342.

Allele frequency attached by ClinVar (database versions not stated): gnomAD exomes below 0.00001.
gnomAD v4.1: 1 of 1,613,602 alleles (0.000062%); highest among the groups gnomAD compares: Non-Finnish European, 0.000085%; no homozygotes.

Submission:

Ambry Genetics
Classification: Uncertain significance for Inborn genetic diseases. Last evaluated: 2020-01-30. Review status: criteria provided, single submitter. Criteria: Ambry Variant Classification Scheme 2023. Collection method: clinical testing. Allele origin: germline.
Comment: The p.G1889E variant (also known as c.5666G>A), located in coding exon 41 of the DST gene, results from a G to A substitution at nucleotide position 5666. The glycine at codon 1889 is replaced by glutamic acid, an amino acid with similar properties. This amino acid position is poorly conserved in available vertebrate species. In addition, this alteration is predicted to be tolerated by in silico analysis. Since supporting evidence is limited at this time, the clinical significance of this alteration remains unclear.